The following is an entry in ClinVar:

NM_007317.3(KIF22):c.1890+5C>G

Genes: KIF22 (kinesin family member 22; plus strand), LOC130058782 (ATAC-STARR-seq lymphoblastoid silent region 7334; plus strand). Cytogenetic location: 16p11.2.
Variant type: single nucleotide variant.
Coding change: c.1890+5C>G on transcript NM_007317.3 (MANE Select); 5 bases into the intron after coding-DNA position 1890, C replaced by G.
Molecular consequence: intron variant.
Genome position (GRCh38, 1-based): chr16:29,805,031, C>G. VCF-style: chr16-29805031-C-G. GRCh37 (hg19) VCF-style: chr16-29816352-C-G.
Other names: c.1686+5C>G (NM_001256269.2, NM_001256270.1).
Identifiers: ClinVar variation 2755405 (VCV002755405.3), dbSNP rs1189723673, ClinGen allele CA2697555769.

ClinVar aggregate classification (germline): Uncertain significance (1 of 4 stars; one submission).

Submission:

Labcorp Genetics (formerly Invitae), Labcorp
Classification: Uncertain significance. Last evaluated: 2024-10-29. Review status: criteria provided, single submitter. Criteria: Invitae Variant Classification Sherloc (09022015). Collection method: clinical testing. Allele origin: germline.
Comment: This sequence change falls in intron 12 of the KIF22 gene. It does not directly change the encoded amino acid sequence of the KIF22 protein. It affects a nucleotide within the consensus splice site. This variant is not present in population databases (gnomAD no frequency). This variant has not been reported in the literature in individuals affected with KIF22-related conditions. ClinVar contains an entry for this variant (Variation ID: 2755405). Variants that disrupt the consensus splice site are a relatively common cause of aberrant splicing (PMID: 17576681, 9536098). Algorithms developed to predict the effect of sequence changes on RNA splicing suggest that this variant is not likely to affect RNA splicing. In summary, the available evidence is currently insufficient to determine the role of this variant in disease. Therefore, it has been classified as a Variant of Uncertain Significance.

Literature cited by the submitters: PubMed 17576681; PubMed 9536098.